The following is an entry in ClinVar:

NM_182931.3(KMT2E):c.82G>A (p.Val28Ile)

Gene: KMT2E (lysine methyltransferase 2E (inactive); plus strand). Cytogenetic location: 7q22.3.
Variant type: single nucleotide variant.
Coding change: c.82G>A on transcript NM_182931.3 (MANE Select); coding-DNA position 82, G replaced by A.
Protein change: p.Val28Ile; replaces valine 28 with isoleucine.
Molecular consequence: missense variant.
Genome position (GRCh38, 1-based): chr7:105,062,174, G>A. VCF-style: chr7-105062174-G-A. GRCh37 (hg19) VCF-style: chr7-104702621-G-A.
Other names: c.82G>A, p.Val28Ile (NM_001410908.1, NM_018682.4); short protein forms V28I.
Identifiers: ClinVar variation 2710156 (VCV002710156.4), dbSNP rs367956492, ClinGen allele CA4423613.

ClinVar aggregate classification (germline): Uncertain significance. Review status: criteria provided, multiple submitters, no conflicts (2 of 4 stars). 2 submissions from 2 submitters: Uncertain significance (2). Last evaluated 2023-07-28.

Conditions:
O'Donnell-Luria-Rodan syndrome (ODLURO). Also called: KMT2E-Related Neurodevelopmental Disorder. Identifiers: MedGen C5193138, MONDO:0032793, OMIM 618512.

Allele frequency attached by ClinVar (database versions not stated): gnomAD 0.00001; TOPMed 0.00004; ExAC 0.00007.
gnomAD v4.1: 35 of 1,610,044 alleles (0.0022%); highest among the groups gnomAD compares: South Asian, 0.026%; no homozygotes.

Submissions (2):

Labcorp Genetics (formerly Invitae), Labcorp
Classification: Uncertain significance. Last evaluated: 2023-07-28. Review status: criteria provided, single submitter. Criteria: Invitae Variant Classification Sherloc (09022015). Collection method: clinical testing. Allele origin: germline.
Comment: In summary, the available evidence is currently insufficient to determine the role of this variant in disease. Therefore, it has been classified as a Variant of Uncertain Significance. Advanced modeling of protein sequence and biophysical properties (such as structural, functional, and spatial information, amino acid conservation, physicochemical variation, residue mobility, and thermodynamic stability) has been performed at Invitae for this missense variant, however the output from this modeling did not meet the statistical confidence thresholds required to predict the impact of this variant on KMT2E protein function. This variant has not been reported in the literature in individuals affected with KMT2E-related conditions. This variant is present in population databases (rs367956492, gnomAD 0.03%). This sequence change replaces valine, which is neutral and non-polar, with isoleucine, which is neutral and non-polar, at codon 28 of the KMT2E protein (p.Val28Ile).

Department of Pathology and Laboratory Medicine, Sinai Health System
Classification: Uncertain significance for O'Donnell-Luria-Rodan syndrome. Last evaluated: 2022-12-06. Review status: criteria provided, single submitter. Criteria: ACMG Guidelines, 2015. Collection method: research. Allele origin: germline.